The following is an entry in ClinVar:

NM_000051.4(ATM):c.3748T>A (p.Ser1250Thr)

Gene: ATM (ATM serine/threonine kinase; plus strand). Cytogenetic location: 11q22.3.
Variant type: single nucleotide variant.
Coding change: c.3748T>A on transcript NM_000051.4 (MANE Select); coding-DNA position 3748, T replaced by A.
Protein change: p.Ser1250Thr; replaces serine 1250 with threonine.
Molecular consequence: missense variant.
Genome position (GRCh38, 1-based): chr11:108,284,228, T>A. VCF-style: chr11-108284228-T-A. GRCh37 (hg19) VCF-style: chr11-108154955-T-A.
Other names: c.3748T>A, p.Ser1250Thr (NM_001351834.2); short protein forms S1250T.
Identifiers: ClinVar variation 481233 (VCV000481233.10), dbSNP rs1555093268, ClinGen allele CA382524176.

ClinVar aggregate classification (germline): Uncertain significance. Review status: criteria provided, multiple submitters, no conflicts (2 of 4 stars). 3 submissions from 3 submitters: Uncertain significance (2). 1 of the submissions does not count toward it. Last evaluated 2025-07-10.

Conditions:
Hereditary cancer-predisposing syndrome. Also called: Hereditary neoplastic syndrome; Neoplastic Syndromes, Hereditary; Tumor predisposition; Hereditary Cancer Syndrome. Identifiers: Orphanet 140162, MedGen C0027672, MeSH D009386, MONDO:0015356.
Ataxia-telangiectasia syndrome (AT). Also called: LOUIS-BAR SYNDROME; Cerebello-oculocutaneous telangiectasia; Immunodeficiency with ataxia telangiectasia; AT, COMPLEMENTATION GROUP C; Ataxia-telangiectasia, complementation group D; ATAXIA-TELANGIECTASIA, COMPLEMENTATION GROUP A. Identifiers: Orphanet 100, MedGen C0004135, MONDO:0008840, OMIM 208900.

gnomAD v4.1: 8 of 1,604,090 alleles (0.0005%); highest among the groups gnomAD compares: Non-Finnish European, 0.00068%; no homozygotes.

Submissions (3):

Ambry Genetics
Classification: Uncertain significance for Hereditary cancer-predisposing syndrome. Last evaluated: 2025-07-10. Review status: criteria provided, single submitter. Criteria: Ambry Variant Classification Scheme 2023. Collection method: clinical testing. Allele origin: germline.
Comment: The p.S1250T variant (also known as c.3748T>A), located in coding exon 25 of the ATM gene, results from a T to A substitution at nucleotide position 3748. The serine at codon 1250 is replaced by threonine, an amino acid with similar properties. This amino acid position is highly conserved in available vertebrate species. In addition, the in silico prediction for this alteration is inconclusive. Based on the available evidence, the clinical significance of this variant remains unclear.

Color Diagnostics, LLC DBA Color Health
Classification: Uncertain significance for Hereditary cancer-predisposing syndrome. Last evaluated: 2020-01-06. Review status: criteria provided, single submitter. Criteria: ACMG Guidelines, 2015. Collection method: clinical testing. Allele origin: germline.
Comment: This missense variant replaces serine with threonine at codon 1250 of the ATM protein. Computational prediction tool suggests that this variant may not impact protein structure and function (internally defined REVEL score threshold ≤0.5, PMID: 27666373). Splice site prediction tools suggest that this variant may not impact RNA splicing. To our knowledge, functional studies have not been performed for this variant. This variant has not been reported in individuals affected with hereditary cancer in the literature. This variant has not been identified in the general population by the Genome Aggregation Database (gnomAD). The available evidence is insufficient to determine the role of this variant in disease conclusively. Therefore, this variant is classified as a Variant of Uncertain Significance.

Natera, Inc.
Classification: Uncertain significance for Ataxia-telangiectasia. Last evaluated: 2025-04-10. Review status: no assertion criteria provided. Collection method: clinical testing. Allele origin: germline. Not counted in ClinVar's aggregate classification.